The following is an entry in ClinVar:

ClinVar aggregate classification (germline): Likely benign. Review status: criteria provided, single submitter (1 of 4 stars). 2 submissions from 2 submitters: Likely benign (1). 1 of the submissions does not count toward it. Last evaluated 2022-03-26.

Conditions:
LTBP3-related disorder. Also called: LTBP3-related condition.
Brachyolmia-amelogenesis imperfecta syndrome. Also called: Tooth agenesis, selective, 6; Dental anomalies and short stature; PLATYSPONDYLY WITH AMELOGENESIS IMPERFECTA. Identifiers: Orphanet 2899, MedGen C1832594, MONDO:0011018, OMIM 601216. Disease mechanism: loss of function.

Submissions (2):

Labcorp Genetics (formerly Invitae), Labcorp
Classification: Likely benign for Brachyolmia-amelogenesis imperfecta syndrome. Last evaluated: 2022-03-26. Review status: criteria provided, single submitter. Criteria: Invitae Variant Classification Sherloc (09022015). Collection method: clinical testing. Allele origin: germline.

PreventionGenetics, part of Exact Sciences
Classification: Likely benign for LTBP3-related condition. Last evaluated: 2019-11-27. Review status: no assertion criteria provided. Collection method: clinical testing. Allele origin: germline. Not counted in ClinVar's aggregate classification.
Comment: This variant is classified as likely benign based on ACMG/AMP sequence variant interpretation guidelines (Richards et al. 2015 PMID: 25741868, with internal and published modifications).

NM_001130144.3(LTBP3):c.478A>C (p.Arg160=)

Gene: LTBP3 (latent transforming growth factor beta binding protein 3; minus strand). Cytogenetic location: 11q13.1.
Variant type: single nucleotide variant.
Coding change: c.478A>C on transcript NM_001130144.3 (MANE Select); coding-DNA position 478, A replaced by C.
Protein change: p.Arg160=; no amino-acid change (arginine 160 retained).
Molecular consequence: synonymous variant.
Genome position (GRCh38, 1-based): chr11:65,554,234, T>G on the plus strand (A>C on the coding strand, the complement: LTBP3 is on the minus strand). VCF-style: chr11-65554234-T-G. GRCh37 (hg19) VCF-style: chr11-65321705-T-G.
Other names: c.127A>C, p.Arg43= (NM_001164266.1); c.478A>C, p.Arg160= (NM_021070.4); c.478A>C (NM_001130144.2).
Identifiers: ClinVar variation 2117913 (VCV002117913.6), dbSNP rs2496178141, ClinGen allele CA475037140.